The following is an entry in ClinVar:

NM_024685.4(BBS10):c.1381G>A (p.Gly461Ser)

Gene: BBS10 (Bardet-Biedl syndrome 10; minus strand). Cytogenetic location: 12q21.2.
Variant type: single nucleotide variant.
Coding change: c.1381G>A on transcript NM_024685.4 (MANE Select); coding-DNA position 1381, G replaced by A.
Protein change: p.Gly461Ser; replaces glycine 461 with serine.
Molecular consequence: missense variant.
Genome position (GRCh38, 1-based): chr12:76,346,604, C>T on the plus strand (G>A on the coding strand, the complement: BBS10 is on the minus strand). VCF-style: chr12-76346604-C-T. GRCh37 (hg19) VCF-style: chr12-76740384-C-T.
Other names: c.1381G>A, p.Gly461Ser (LRG_1255t1); short protein forms G461S.
Identifiers: ClinVar variation 434484 (VCV000434484.14), dbSNP rs767717128, ClinGen allele CA6694181.

ClinVar aggregate classification (germline): Uncertain significance. Review status: criteria provided, multiple submitters, no conflicts (2 of 4 stars). 5 submissions from 5 submitters: Uncertain significance (5). Last evaluated 2026-02-03.

Conditions:
BBS10-related disorder. Also called: BBS10-related condition.
Inborn genetic diseases. Identifiers: MedGen C0950123, MeSH D030342.
Bardet-Biedl syndrome (BBS). Identifiers: Orphanet 110, MedGen C0752166, MONDO:0015229.
Bardet-Biedl syndrome 10 (BBS10). Identifiers: Orphanet 110, MedGen C1859568, MONDO:0014438, OMIM 615987.

Allele frequency attached by ClinVar (database versions not stated): gnomAD exomes below 0.00001 and 0.00001; ExAC 0.00002; TOPMed 0.00006; gnomAD 0.00008 and 0.00009.

Submissions (5):

PreventionGenetics, part of Exact Sciences
Classification: Uncertain significance for BBS10-related condition. Last evaluated: 2026-02-03. Review status: criteria provided, single submitter. Criteria: ACMG Guidelines, 2015. Collection method: clinical testing. Allele origin: germline.
Comment: The BBS10 c.1381G>A variant is predicted to result in the amino acid substitution p.Gly461Ser. To our knowledge, this variant has not been reported in the literature. This variant is reported in 0.028% of alleles in individuals of African descent in gnomAD. At this time, the clinical significance of this variant is uncertain due to the absence of conclusive functional and genetic evidence.

Ambry Genetics
Classification: Uncertain significance for Inborn genetic diseases. Last evaluated: 2025-05-14. Review status: criteria provided, single submitter. Criteria: Ambry Variant Classification Scheme 2023. Collection method: clinical testing. Allele origin: germline.

Labcorp Genetics (formerly Invitae), Labcorp
Classification: Uncertain significance for Bardet-Biedl syndrome. Last evaluated: 2024-10-26. Review status: criteria provided, single submitter. Criteria: Invitae Variant Classification Sherloc (09022015). Collection method: clinical testing. Allele origin: germline.
Comment: This sequence change replaces glycine, which is neutral and non-polar, with serine, which is neutral and polar, at codon 461 of the BBS10 protein (p.Gly461Ser). This variant is present in population databases (rs767717128, gnomAD 0.03%). This variant has not been reported in the literature in individuals affected with BBS10-related conditions. ClinVar contains an entry for this variant (Variation ID: 434484). Invitae Evidence Modeling of protein sequence and biophysical properties (such as structural, functional, and spatial information, amino acid conservation, physicochemical variation, residue mobility, and thermodynamic stability) indicates that this missense variant is not expected to disrupt BBS10 protein function with a negative predictive value of 80%. In summary, the available evidence is currently insufficient to determine the role of this variant in disease. Therefore, it has been classified as a Variant of Uncertain Significance.

Fulgent Genetics
Classification: Uncertain significance for Bardet-Biedl syndrome 10. Last evaluated: 2021-12-27. Review status: criteria provided, single submitter. Criteria: ACMG Guidelines, 2015. Collection method: clinical testing. Allele origin: unknown.

Genetic Services Laboratory, University of Chicago
Classification: Uncertain significance. Last evaluated: 2015-11-19. Review status: criteria provided, single submitter. Criteria: ACMG Guidelines, 2015. Collection method: clinical testing. Allele origin: germline. Affected: no.